The following is an entry in ClinVar:

NM_001330078.2(NRXN1):c.2315del (p.Asp772fs)

Gene: NRXN1 (neurexin 1; minus strand). Cytogenetic location: 2p16.3.
Variant type: Deletion.
Coding change: c.2315del on transcript NM_001330078.2 (MANE Select); coding-DNA position 2315, one base deleted (A; older notation c.2315delA).
Protein change: p.Asp772fs; shifts the reading frame from aspartic acid 772.
Molecular consequence: frameshift variant.
Genome position (GRCh38, 1-based): chr2:50,531,259, T deleted on the plus strand (A on the coding strand, the reverse complement: NRXN1 is on the minus strand). VCF-style (leftmost placement, unchanged base first): chr2-50531258-GT-G. GRCh37 (hg19) VCF-style: chr2-50758396-GT-G.
Other names: c.2435del, p.Asp812fs (NM_001135659.3); c.2291del, p.Asp764fs (NM_001330077.2, NM_001330082.2, NM_001330095.2); c.2276del, p.Asp759fs (NM_001330083.2, NM_001330084.2); c.2315del, p.Asp772fs (NM_001330085.2, NM_001330086.2, NM_004801.6); c.2231del, p.Asp744fs (NM_001330087.2, NM_001330096.2); c.2261del, p.Asp754fs (NM_001330088.2); c.2312del, p.Asp771fs (NM_001330093.2); c.2303del, p.Asp768fs (NM_001330094.2); short protein forms D768fs, D764fs, D771fs, D772fs, D744fs, D754fs, D759fs, D812fs.
Identifiers: ClinVar variation 817657 (VCV000817657.1), dbSNP rs1573424393, ClinGen allele CA915944016.

ClinVar aggregate classification (germline): Likely pathogenic (1 of 4 stars; one submission).

Submission:

GeneDx
Classification: Likely pathogenic. Last evaluated: 2018-02-27. Review status: criteria provided, single submitter. Criteria: GeneDx Variant Classification (06012015). Collection method: clinical testing. Allele origin: germline. Affected: yes.
Comment: A variant that is likely pathogenic has been identified in the NRXN1 gene. The c.2435delA variant has not been published as a pathogenic variant, nor has it been reported as a benign variant to our knowledge. This variant is not observed in large population cohorts (Lek et al., 2016). The c.2435delA variant causes a frameshift starting with codon Aspartic acid 812, changes this amino acid to an Alanine residue, and creates a premature Stop codon at position 5 of the new reading frame, denoted p.Asp812AlafsX5. This variant is predicted to cause loss of normal protein function either through protein truncation or nonsense-mediated mRNA decay. Therefore, the c.2435delA variant is likely pathogenic; however, the possibility that it is benign cannot be excluded.